The following is an entry in ClinVar:

NM_013447.4(ADGRE2):c.563A>G (p.Gln188Arg)

Gene: ADGRE2 (adhesion G protein-coupled receptor E2; minus strand). Cytogenetic location: 19p13.12.
Variant type: single nucleotide variant.
Coding change: c.563A>G on transcript NM_013447.4 (MANE Select); coding-DNA position 563, A replaced by G.
Protein change: p.Gln188Arg; replaces glutamine 188 with arginine.
Molecular consequence: missense variant. On other transcripts: intron variant (2).
Genome position (GRCh38, 1-based): chr19:14,766,306, T>C on the plus strand (A>G on the coding strand, the complement: ADGRE2 is on the minus strand). VCF-style: chr19-14766306-T-C. GRCh37 (hg19) VCF-style: chr19-14877118-T-C.
Other names: c.563A>G, p.Gln188Arg (NM_001271052.1); c.356-502A>G (NM_152917.2); c.488-502A>G (NM_152916.2); short protein forms Q188R.
Identifiers: ClinVar variation 3052714 (VCV003052714.2), dbSNP rs553498034, ClinGen allele CA9258087.

ClinVar aggregate classification (germline): Benign (0 of 4 stars; one submission).

Conditions:
ADGRE2-related disorder. Also called: ADGRE2-related condition.

Allele frequency attached by ClinVar (database versions not stated): gnomAD exomes 0.00012; gnomAD 0.00018; TOPMed 0.00026; ExAC 0.00042; 1000 Genomes Project 30x 0.00156; 1000 Genomes Project 0.00200.

Submission:

PreventionGenetics, part of Exact Sciences
Classification: Benign for ADGRE2-related condition. Last evaluated: 2019-08-16. Review status: no assertion criteria provided. Collection method: clinical testing. Allele origin: germline.
Comment: This variant is classified as benign based on ACMG/AMP sequence variant interpretation guidelines (Richards et al. 2015 PMID: 25741868, with internal and published modifications).